The following is an entry in ClinVar:

GRCh38/hg38 9q22.32(chr9:95316018-95668838)x1

Genes: FANCC (FA complementation group C; minus strand), PTCH1 (patched 1; minus strand), LOC100507346 (uncharacterized LOC100507346; plus strand), LOC105376156 (uncharacterized LOC105376156; minus strand), LOC110121043 (VISTA enhancer hs1258; plus strand) and 14 more. Cytogenetic location: 9q22.32.
Variant type: copy number loss.
Change: copy number 1 (one copy instead of two) of chr9:95,316,018-95,668,838 (352.8 kb, GRCh38 coordinates, 1-based), cytogenetic band 9q22.32.
Identifiers: ClinVar variation 59121 (VCV000059121.1).

ClinVar aggregate classification (germline): Pathogenic (1 of 4 stars; one submission).

Submission:

ISCA site 15
Classification: Pathogenic. Last evaluated: 2011-08-12. Review status: criteria provided, single submitter. Criteria: Kaminsky et al. (Genet Med. 2011). Collection method: clinical testing. Allele origin: de novo. Affected: yes. Observed: 1 variant allele.
Comment: Copy number variation identified through the course of routine clinical cytogenomic testing in postnatal populations. Clinical assertions have been curated as described in Kaminsky et al. 2011.